The following is an entry in ClinVar:

NM_015404.4(WHRN):c.2045G>C (p.Arg682Pro)

Gene: WHRN (whirlin; minus strand). Cytogenetic location: 9q32.
Variant type: single nucleotide variant.
Coding change: c.2045G>C on transcript NM_015404.4 (MANE Select); coding-DNA position 2045, G replaced by C.
Protein change: p.Arg682Pro; replaces arginine 682 with proline.
Molecular consequence: missense variant.
Genome position (GRCh38, 1-based): chr9:114,406,546, C>G on the plus strand (G>C on the coding strand, the complement: WHRN is on the minus strand). VCF-style: chr9-114406546-C-G. GRCh37 (hg19) VCF-style: chr9-117168826-C-G.
Other names: c.896G>C, p.Arg299Pro (NM_001083885.3); c.2045G>C, p.Arg682Pro (NM_001173425.2); c.992G>C, p.Arg331Pro (NM_001346890.1); short protein forms R331P, R682P, R299P.
Identifiers: ClinVar variation 959588 (VCV000959588.9), dbSNP rs759899337, ClinGen allele CA374620413.

ClinVar aggregate classification (germline): Uncertain significance (1 of 4 stars; one submission).

Allele frequency attached by ClinVar (database versions not stated): TOPMed 0.00001.
gnomAD v4.1: 2 of 1,612,726 alleles (0.00012%); highest among the groups gnomAD compares: African/African-American, 0.0027%; no homozygotes.

Submission:

Labcorp Genetics (formerly Invitae), Labcorp
Classification: Uncertain significance. Last evaluated: 2024-02-24. Review status: criteria provided, single submitter. Criteria: Invitae Variant Classification Sherloc (09022015). Collection method: clinical testing. Allele origin: germline.
Comment: This sequence change replaces arginine, which is basic and polar, with proline, which is neutral and non-polar, at codon 682 of the WHRN protein (p.Arg682Pro). This variant is not present in population databases (gnomAD no frequency). This variant has not been reported in the literature in individuals affected with WHRN-related conditions. ClinVar contains an entry for this variant (Variation ID: 959588). An algorithm developed to predict the effect of missense changes on protein structure and function (PolyPhen-2) suggests that this variant is likely to be disruptive. In summary, the available evidence is currently insufficient to determine the role of this variant in disease. Therefore, it has been classified as a Variant of Uncertain Significance.